The following is an entry in ClinVar:

NM_004304.5(ALK):c.2768_2769delinsAA (p.Gly923Glu)

Gene: ALK (ALK receptor tyrosine kinase; minus strand). Cytogenetic location: 2p23.2.
Variant type: Indel.
Coding change: c.2768_2769delinsAA on transcript NM_004304.5 (MANE Select); coding-DNA positions 2768 to 2769, GG replaced by AA.
Protein change: p.Gly923Glu; replaces glycine 923 with glutamic acid.
Molecular consequence: missense variant.
Genome position (GRCh38, 1-based): chr2:29,228,930-29,228,931, CC replaced by TT on the plus strand (GG replaced by AA on the coding strand, the reverse complement: ALK is on the minus strand). VCF-style: chr2-29228930-CC-TT. GRCh37 (hg19) VCF-style: chr2-29451796-CC-TT.
Other names: short protein forms G923E.
Identifiers: ClinVar variation 2848005 (VCV002848005.3), dbSNP rs2465977635, ClinGen allele CA2739274278.

ClinVar aggregate classification (germline): Uncertain significance (1 of 4 stars; one submission).

Conditions:
Neuroblastoma, susceptibility to, 3. Also called: ALK-Related Neuroblastic Tumor Susceptibility. Identifiers: Orphanet 635, MedGen C2751681, MONDO:0013083, OMIM 613014.

Submission:

Labcorp Genetics (formerly Invitae), Labcorp
Classification: Uncertain significance for Neuroblastoma, susceptibility to, 3. Last evaluated: 2023-03-21. Review status: criteria provided, single submitter. Criteria: Invitae Variant Classification Sherloc (09022015). Collection method: clinical testing. Allele origin: germline.
Comment: This sequence change replaces glycine, which is neutral and non-polar, with glutamic acid, which is acidic and polar, at codon 923 of the ALK protein (p.Gly923Glu). In summary, the available evidence is currently insufficient to determine the role of this variant in disease. Therefore, it has been classified as a Variant of Uncertain Significance. An algorithm developed to predict the effect of missense changes on protein structure and function (PolyPhen-2) suggests that this variant is likely to be disruptive. This variant has not been reported in the literature in individuals affected with ALK-related conditions. Information on the frequency of this variant in the gnomAD database is not available, as this variant may be reported differently in the database.